The following is an entry in ClinVar:

NM_002241.5(KCNJ10):c.*93C>T

Gene: KCNJ10 (potassium inwardly rectifying channel subfamily J member 10; minus strand). Cytogenetic location: 1q23.2.
Variant type: single nucleotide variant.
Coding change: c.*93C>T on transcript NM_002241.5 (MANE Select); 93 bases downstream of the stop codon, C replaced by T.
Molecular consequence: 3 prime UTR variant.
Genome position (GRCh38, 1-based): chr1:160,041,300, G>A on the plus strand (C>T on the coding strand, the complement: KCNJ10 is on the minus strand). VCF-style: chr1-160041300-G-A. GRCh37 (hg19) VCF-style: chr1-160011090-G-A.
Identifiers: ClinVar variation 873572 (VCV000873572.5), dbSNP rs114052043, ClinGen allele CA31469815.
Genomic context (GRCh38, chr1:160,041,300, plus strand): 5'-TGGCCTAAGCTACCAACAGGCCACTGGGTTAAAGAAGAGGGAGTGGAGGATGGGTGCTTC[G>A]GGGGATCTCCAGTAAACCCGGGTAGTATTCCTTACCAGGGCATTGGAAGAGAGGAAAAGA-3'

ClinVar aggregate classification (germline): Benign/Likely benign. Review status: criteria provided, multiple submitters, no conflicts (2 of 4 stars). 3 submissions from 2 submitters: Benign (1); Likely benign (2). Last evaluated 2018-01-12.

Conditions:
EAST syndrome (SESAMES). Also called: SEIZURES, SENSORINEURAL DEAFNESS, ATAXIA, IMPAIRED INTELLECTUAL DEVELOPMENT, AND ELECTROLYTE IMBALANCE. Identifiers: Orphanet 199343, MedGen C2748572, MONDO:0013005, OMIM 612780.
Autosomal recessive nonsyndromic hearing loss 4 (DFNB4). Also called: FOXI1-Related Pendred Syndrome; KCNJ10-Related Pendred Syndrome; DEAFNESS, AUTOSOMAL RECESSIVE 4, WITH ENLARGED VESTIBULAR AQUEDUCT, DIGENIC; Deafness, autosomal recessive 4, with enlarged vestibular aqueduct; NEUROSENSORY NONSYNDROMIC RECESSIVE DEAFNESS 4; Deafness, autosomal recessive 4. Identifiers: Orphanet 90636, MedGen C3538946, MONDO:0010933, OMIM 600791.

Allele frequency attached by ClinVar (database versions not stated): gnomAD 0.01193 and 0.01296; 1000 Genomes Project 30x 0.01312; 1000 Genomes Project 0.01338; TOPMed 0.01383.
gnomAD v4.1: 3,457 of 1,287,536 alleles (0.27%); highest among the groups gnomAD compares: African/African-American, 4.2%; 74 homozygotes.

Submissions (3):

Illumina Laboratory Services, Illumina
Classification: Benign for EAST syndrome. Last evaluated: 2018-01-12. Review status: criteria provided, single submitter. Criteria: ICSL Variant Classification Criteria 13 December 2019. Collection method: clinical testing. Allele origin: germline.
Comment: This variant was observed in the ICSL laboratory as part of a predisposition screen in an ostensibly healthy population. It had not been previously curated by ICSL or reported in the Human Gene Mutation Database (HGMD: prior to June 1st, 2018), and was therefore a candidate for classification through an automated scoring system. Utilizing variant allele frequency, disease prevalence and penetrance estimates, and inheritance mode, an automated score was calculated to assess if this variant is too frequent to cause the disease. Based on the score and internal cut-off values, a variant classified as benign is not then subjected to further curation. The score for this variant resulted in a classification of benign for this disease.

Illumina Laboratory Services, Illumina
Classification: Likely benign for Autosomal recessive nonsyndromic hearing loss 4. Last evaluated: 2018-01-12. Review status: criteria provided, single submitter. Criteria: ICSL Variant Classification Criteria 13 December 2019. Collection method: clinical testing. Allele origin: germline.
Comment: This variant was observed in the ICSL laboratory as part of a predisposition screen in an ostensibly healthy population. It had not been previously curated by ICSL or reported in the Human Gene Mutation Database (HGMD: prior to June 1st, 2018), and was therefore a candidate for classification through an automated scoring system. Utilizing variant allele frequency, disease prevalence and penetrance estimates, and inheritance mode, an automated score was calculated to assess if this variant is too frequent to cause the disease. Based on the score and internal cut-off values, a variant classified as likely benign is not then subjected to further curation. The score for this variant resulted in a classification of likely benign for this disease.

Breakthrough Genomics
Classification: Likely benign. Review status: criteria provided, single submitter. Criteria: ACMG Guidelines, 2015. Collection method: not provided. Allele origin: germline. Inheritance: Autosomal recessive inheritance. Affected: yes.